The following is an entry in ClinVar:

NM_015693.4(INTU):c.1483G>A (p.Ala495Thr)

Gene: INTU (inturned planar cell polarity protein; plus strand). Cytogenetic location: 4q28.1.
Variant type: single nucleotide variant.
Coding change: c.1483G>A on transcript NM_015693.4 (MANE Select); coding-DNA position 1483, G replaced by A.
Protein change: p.Ala495Thr; replaces alanine 495 with threonine.
Molecular consequence: missense variant.
Genome position (GRCh38, 1-based): chr4:127,700,043, G>A. VCF-style: chr4-127700043-G-A. GRCh37 (hg19) VCF-style: chr4-128621198-G-A.
Other names: short protein forms A495T.
Identifiers: ClinVar variation 2981885 (VCV002981885.3), dbSNP rs2531012468, ClinGen allele CA358133902.
Genomic context (GRCh38, chr4:127,700,043, plus strand): 5'-GTTACTCTTTTTTTTTTTTTAACATAGATGGAATTAGACATGGCATTAAGTGACTTGGAG[G>A]CTGCAGATTTTGCAGAACTGGTAAGGGAAGGAGTGGATTTTATAAAAGGCTCAATGTTGA-3'
Protein context (NP_056508.2, residues 485-505): ELDMALSDLE[Ala495Thr]ADFAELSEDY

ClinVar aggregate classification (germline): Uncertain significance (1 of 4 stars; one submission).

Submission:

Labcorp Genetics (formerly Invitae), Labcorp
Classification: Uncertain significance. Last evaluated: 2023-05-20. Review status: criteria provided, single submitter. Criteria: Invitae Variant Classification Sherloc (09022015). Collection method: clinical testing. Allele origin: germline.
Comment: In summary, the available evidence is currently insufficient to determine the role of this variant in disease. Therefore, it has been classified as a Variant of Uncertain Significance. This variant is not present in population databases (gnomAD no frequency). This variant has not been reported in the literature in individuals affected with INTU-related conditions. Advanced modeling of protein sequence and biophysical properties (such as structural, functional, and spatial information, amino acid conservation, physicochemical variation, residue mobility, and thermodynamic stability) has been performed at Invitae for this missense variant, however the output from this modeling did not meet the statistical confidence thresholds required to predict the impact of this variant on INTU protein function. This sequence change replaces alanine, which is neutral and non-polar, with threonine, which is neutral and polar, at codon 495 of the INTU protein (p.Ala495Thr).